The following is an entry in ClinVar:

NC_000005.9:g.(?_13781021)_(13781991_?)del

Gene: DNAH5 (dynein axonemal heavy chain 5; minus strand). Cytogenetic location: 5p15.2.
Variant type: Deletion.
Identifiers: ClinVar variation 3246268 (VCV003246268.1).

ClinVar aggregate classification (germline): Likely pathogenic (1 of 4 stars; one submission).

Conditions:
Primary ciliary dyskinesia. Also called: Ciliary dyskinesia. Identifiers: Orphanet 244, MedGen C0008780, MONDO:0016575, HP:0012265.

Submission:

Labcorp Genetics (formerly Invitae), Labcorp
Classification: Likely pathogenic for Primary ciliary dyskinesia. Last evaluated: 2019-05-28. Review status: criteria provided, single submitter. Criteria: Invitae Variant Classification Sherloc (09022015). Collection method: clinical testing. Allele origin: unknown.
Comment: Loss-of-function variants in DNAH5 are known to be pathogenic (PMID: 11788826, 16627867). This variant has not been reported in the literature in individuals with DNAH5-related conditions. This variant has not been reported in the literature in individuals with DNAH5-related conditions. This variant is a deletion of the genomic region encompassing part of exon 53 (c.8821-923_8868del) of the DNAH5 gene. It is expected to disrupt RNA splicing and likely results in an absent or disrupted protein product. In summary, the currently available evidence indicates that the variant is pathogenic, but additional data are needed to prove that conclusively. Therefore, this variant has been classified as Likely Pathogenic.

Literature cited by the submitters: PubMed 11788826; PubMed 16627867.